The following is an entry in ClinVar:

ClinVar aggregate classification (germline): Uncertain significance. Review status: criteria provided, multiple submitters, no conflicts (2 of 4 stars). 2 submissions from 2 submitters: Uncertain significance (2). Last evaluated 2023-07-07.

Conditions:
Nemaline myopathy 9 (NEM9). Identifiers: MedGen C3810384, MONDO:0014326, OMIM 615731.

Allele frequency attached by ClinVar (database versions not stated): gnomAD 0.00002; gnomAD exomes 0.00002 and 0.00003; TOPMed 0.00002; ExAC 0.00003.
gnomAD v4.1: 47 of 1,613,602 alleles (0.0029%); highest among the groups gnomAD compares: Non-Finnish European, 0.0031%; no homozygotes.

Submissions (2):

Labcorp Genetics (formerly Invitae), Labcorp
Classification: Uncertain significance for Nemaline myopathy 9. Last evaluated: 2023-07-07. Review status: criteria provided, single submitter. Criteria: Invitae Variant Classification Sherloc (09022015). Collection method: clinical testing. Allele origin: germline.
Comment: ClinVar contains an entry for this variant (Variation ID: 1000727). In summary, the available evidence is currently insufficient to determine the role of this variant in disease. Therefore, it has been classified as a Variant of Uncertain Significance. An algorithm developed to predict the effect of missense changes on protein structure and function (PolyPhen-2) suggests that this variant is likely to be disruptive. This variant has not been reported in the literature in individuals affected with KLHL41-related conditions. This variant is present in population databases (rs770685517, gnomAD 0.008%). This sequence change replaces tyrosine, which is neutral and polar, with histidine, which is basic and polar, at codon 587 of the KLHL41 protein (p.Tyr587His).

GeneDx
Classification: Uncertain significance. Last evaluated: 2019-11-01. Review status: criteria provided, single submitter. Criteria: GeneDx Variant Classification Process June 2021. Collection method: clinical testing. Allele origin: germline. Affected: yes.
Comment: Not observed at a significant frequency in large population cohorts (Lek et al., 2016); In silico analysis, which includes protein predictors and evolutionary conservation, supports a deleterious effect; Has not been previously published as pathogenic or benign to our knowledge

NM_006063.3(KLHL41):c.1759T>C (p.Tyr587His)

Gene: KLHL41 (kelch like family member 41; plus strand). Cytogenetic location: 2q31.1.
Variant type: single nucleotide variant.
Coding change: c.1759T>C on transcript NM_006063.3 (MANE Select); coding-DNA position 1759, T replaced by C.
Protein change: p.Tyr587His; replaces tyrosine 587 with histidine.
Molecular consequence: missense variant.
Genome position (GRCh38, 1-based): chr2:169,525,634, T>C. VCF-style: chr2-169525634-T-C. GRCh37 (hg19) VCF-style: chr2-170382144-T-C.
Other names: short protein forms Y587H.
Identifiers: ClinVar variation 1000727 (VCV001000727.10), dbSNP rs770685517, ClinGen allele CA1956758.